The following is an entry in ClinVar:

NM_001174147.2(LMX1B):c.558C>T (p.Ser186=)

Gene: LMX1B (LIM homeobox transcription factor 1 beta; plus strand). Cytogenetic location: 9q33.3.
Variant type: single nucleotide variant.
Coding change: c.558C>T on transcript NM_001174147.2 (MANE Select); coding-DNA position 558, C replaced by T.
Protein change: p.Ser186=; no amino-acid change (serine 186 retained).
Molecular consequence: synonymous variant.
Genome position (GRCh38, 1-based): chr9:126,691,067, C>T. VCF-style: chr9-126691067-C-T. GRCh37 (hg19) VCF-style: chr9-129453346-C-T.
Other names: c.558C>T, p.Ser186= (NM_001174146.2, NM_002316.4).
Identifiers: ClinVar variation 1989821 (VCV001989821.4), dbSNP rs370299750, ClinGen allele CA5242342.

ClinVar aggregate classification (germline): Uncertain significance (1 of 4 stars; one submission).

Allele frequency attached by ClinVar (database versions not stated): gnomAD exomes below 0.00001; ExAC 0.00001; gnomAD 0.00001; TOPMed 0.00001; ESP Exome Variant Server 0.00008.
gnomAD v4.1: 4 of 1,606,438 alleles (0.00025%); highest among the groups gnomAD compares: Non-Finnish European, 0.00026%; no homozygotes.

Submission:

Labcorp Genetics (formerly Invitae), Labcorp
Classification: Uncertain significance. Last evaluated: 2022-06-08. Review status: criteria provided, single submitter. Criteria: Invitae Variant Classification Sherloc (09022015). Collection method: clinical testing. Allele origin: germline.
Comment: In summary, the available evidence is currently insufficient to determine the role of this variant in disease. Therefore, it has been classified as a Variant of Uncertain Significance. Algorithms developed to predict the effect of sequence changes on RNA splicing suggest that this variant is not likely to affect RNA splicing. This variant has not been reported in the literature in individuals affected with LMX1B-related conditions. The frequency data for this variant in the population databases is considered unreliable, as metrics indicate poor data quality at this position in the gnomAD database. This sequence change affects codon 186 of the LMX1B mRNA. It is a 'silent' change, meaning that it does not change the encoded amino acid sequence of the LMX1B protein. It affects a nucleotide within the consensus splice site.